The following is an entry in ClinVar:

ClinVar aggregate classification (germline): Uncertain significance (1 of 4 stars; one submission).

Conditions:
Immunodeficiency 132A. Also called: Herpes simplex encephalitis, susceptibility to, 3. Identifiers: Orphanet 1930, MedGen C3553868, MONDO:0013920, OMIM 614849.

Allele frequency attached by ClinVar (database versions not stated): gnomAD exomes 0.00007 and 0.00008; ESP Exome Variant Server 0.00008; gnomAD 0.00015 and 0.00014; TOPMed 0.00015; 1000 Genomes Project 0.00020; ExAC 0.00007; 1000 Genomes Project 30x 0.00016.
gnomAD v4.1: 132 of 1,614,128 alleles (0.0082%); highest among the groups gnomAD compares: Middle Eastern, 0.049%; no homozygotes.

Submission:

Labcorp Genetics (formerly Invitae), Labcorp
Classification: Uncertain significance for Immunodeficiency 132A. Last evaluated: 2025-11-22. Review status: criteria provided, single submitter. Criteria: Invitae Variant Classification Sherloc (09022015). Collection method: clinical testing. Allele origin: germline.
Comment: This sequence change replaces valine, which is neutral and non-polar, with methionine, which is neutral and non-polar, at codon 367 of the TRAF3 protein (p.Val367Met). This variant is present in population databases (rs147610812, gnomAD 0.02%). This variant has not been reported in the literature in individuals affected with TRAF3-related conditions. ClinVar contains an entry for this variant (Variation ID: 843487). An algorithm developed to predict the effect of missense changes on protein structure and function (PolyPhen-2) suggests that this variant is likely to be tolerated. In summary, the available evidence is currently insufficient to determine the role of this variant in disease. Therefore, it has been classified as a Variant of Uncertain Significance.

NM_145725.3(TRAF3):c.1099G>A (p.Val367Met)

Gene: TRAF3 (TNF receptor associated factor 3; plus strand). Cytogenetic location: 14q32.32.
Variant type: single nucleotide variant.
Coding change: c.1099G>A on transcript NM_145725.3 (MANE Select); coding-DNA position 1099, G replaced by A.
Protein change: p.Val367Met; replaces valine 367 with methionine.
Molecular consequence: missense variant.
Genome position (GRCh38, 1-based): chr14:102,903,393, G>A. VCF-style: chr14-102903393-G-A. GRCh37 (hg19) VCF-style: chr14-103369730-G-A.
Other names: c.850G>A, p.Val284Met (NM_001199427.2); c.958G>A, p.Val320Met (NM_001385142.1); c.1018G>A, p.Val340Met (NM_001385143.1); c.1099G>A, p.Val367Met (NM_003300.4); c.1024G>A, p.Val342Met (NM_145726.3); short protein forms V367M, V284M, V342M, V320M, V340M.
Identifiers: ClinVar variation 843487 (VCV000843487.11), dbSNP rs147610812, ClinGen allele CA7359503.